The following is an entry in ClinVar:

ClinVar aggregate classification (germline): Uncertain significance (1 of 4 stars; one submission).

Conditions:
Familial cold autoinflammatory syndrome 2 (FCAS2). Identifiers: Orphanet 247868, MedGen C2673198, MONDO:0012724, OMIM 611762.

Allele frequency attached by ClinVar (database versions not stated): TOPMed below 0.00001; gnomAD 0.00001; ExAC 0.00002.

Submission:

Labcorp Genetics (formerly Invitae), Labcorp
Classification: Uncertain significance for Familial cold autoinflammatory syndrome 2. Last evaluated: 2025-09-15. Review status: criteria provided, single submitter. Criteria: Invitae Variant Classification Sherloc (09022015). Collection method: clinical testing. Allele origin: germline.
Comment: This sequence change replaces leucine, which is neutral and non-polar, with tryptophan, which is neutral and slightly polar, at codon 806 of the NLRP12 protein (p.Leu806Trp). This variant is present in population databases (rs776793487, gnomAD 0.002%). This variant has not been reported in the literature in individuals affected with NLRP12-related conditions. ClinVar contains an entry for this variant (Variation ID: 2971582). An algorithm developed to predict the effect of missense changes on protein structure and function (PolyPhen-2) suggests that this variant is likely to be disruptive. In summary, the available evidence is currently insufficient to determine the role of this variant in disease. Therefore, it has been classified as a Variant of Uncertain Significance.

NM_144687.4(NLRP12):c.2417T>G (p.Leu806Trp)

Gene: NLRP12 (NLR family pyrin domain containing 12; minus strand). Cytogenetic location: 19q13.42.
Variant type: single nucleotide variant.
Coding change: c.2417T>G on transcript NM_144687.4 (MANE Select); coding-DNA position 2417, T replaced by G.
Protein change: p.Leu806Trp; replaces leucine 806 with tryptophan.
Molecular consequence: missense variant.
Genome position (GRCh38, 1-based): chr19:53,804,120, A>C on the plus strand (T>G on the coding strand, the complement: NLRP12 is on the minus strand). VCF-style: chr19-53804120-A-C. GRCh37 (hg19) VCF-style: chr19-54307374-A-C.
Other names: c.2420T>G, p.Leu807Trp (NM_001277126.2); c.2417T>G, p.Leu806Trp (NM_001277129.1); short protein forms L807W, L806W.
Identifiers: ClinVar variation 2971582 (VCV002971582.3), dbSNP rs776793487, ClinGen allele CA9639079.